The following is an entry in ClinVar:

ClinVar aggregate classification (germline): Conflicting classifications of pathogenicity. Review status: criteria provided, conflicting classifications (1 of 4 stars). 2 submissions from 2 submitters: Pathogenic (1); Uncertain significance (1). Last evaluated 2025-09-27.

Conditions:
Hereditary spastic paraplegia 4. Also called: Spastic Paraplegia 4; Familial spastic paraplegia autosomal dominant 2; Spastic paraplegia 4, autosomal dominant. Identifiers: Orphanet 100985, MedGen C1866855, MONDO:0008438, OMIM 182601.

Submissions (2):

Labcorp Genetics (formerly Invitae), Labcorp
Classification: Uncertain significance for Hereditary spastic paraplegia 4. Last evaluated: 2025-09-27. Review status: criteria provided, single submitter. Criteria: Invitae Variant Classification Sherloc (09022015). Collection method: clinical testing. Allele origin: germline.
Comment: This sequence change falls in intron 10 of the SPAST gene. It does not directly change the encoded amino acid sequence of the SPAST protein. It affects a nucleotide within the consensus splice site. This variant is not present in population databases (gnomAD no frequency). This variant has been observed in individuals with clinical features of SPAST-related conditions (PMID: 20718791; internal data). This variant is also known as c.1322-31del29bp (p.I440fs), c.1322-30_1322-2del. ClinVar contains an entry for this variant (Variation ID: 448446). Variants that disrupt the consensus splice site are a relatively common cause of aberrant splicing (PMID: 17576681, 9536098). In summary, the available evidence is currently insufficient to determine the role of this variant in disease. Therefore, it has been classified as a Variant of Uncertain Significance.

Athena Diagnostics
Classification: Pathogenic. Last evaluated: 2024-10-24. Review status: criteria provided, single submitter. Criteria: Athena Diagnostics Criteria. Collection method: clinical testing. Allele origin: unknown.
Comment: This variant is expected to severely impact normal RNA splicing, and consequently, protein structure and/or function. This variant has not been reported in large, multi-ethnic general populations. This variant has been identified in at least one individual with clinical features associated with this gene.

Literature cited by the submitters: PubMed 20718791 (cited by Labcorp Genetics (formerly Invitae), Labcorp and Athena Diagnostics); PubMed 17576681 (cited by Labcorp Genetics (formerly Invitae), Labcorp); PubMed 9536098 (cited by Labcorp Genetics (formerly Invitae), Labcorp); PubMed 36825575 (cited by Athena Diagnostics).

NM_014946.4(SPAST):c.1322-30_1322-2del

Gene: SPAST (spastin; plus strand). Cytogenetic location: 2p22.3.
Variant type: Deletion.
Coding change: c.1322-30_1322-2del on transcript NM_014946.4 (MANE Select); 30 bases into the intron before coding-DNA position 1322 through the canonical splice acceptor site of the intron before coding-DNA position 1322, 29 bases deleted (ATTAAAGTCTTATACTTGTATTTCCTCTA).
Molecular consequence: splice acceptor variant.
Genome position (GRCh38, 1-based): chr2:32,136,847-32,136,875, ATTAAAGTCTTATACTTGTATTTCCTCTA deleted; deleting any 29 consecutive bases within chr2:32,136,845-32,136,875 gives the same sequence; the c. name uses the placement nearest the transcript's 3' end. VCF-style (leftmost placement, unchanged base first): chr2-32136844-TTAATTAAAGTCTTATACTTGTATTTCCTC-T. GRCh37 (hg19) VCF-style: chr2-32361913-TTAATTAAAGTCTTATACTTGTATTTCCTC-T.
Other names: c.1226-30_1226-2del (NM_199436.2, NM_001377959.1); c.1319-30_1319-2del (NM_001363823.2); c.1223-30_1223-2del (NM_001363875.2).
Identifiers: ClinVar variation 448446 (VCV000448446.5), dbSNP rs1553318205, ClinGen allele CA658657025.
Genomic context (GRCh38, chr2:32,136,844, plus strand): 5'-CCCACTATATTAATAAGTAGTAAACTAGATTAATCTCAGATGACTCACATAGCTTGGTCT[TTAATTAAAGTCTTATACTTGTATTTCCTC>T]TAGATGAAGTTGATAGCCTTTTGTGTGAAAGAAGAGAAGGGGAGCACGATGCTAGTAGAC-3'